The following is an entry in ClinVar:

ClinVar aggregate classification (germline): Likely benign. Review status: criteria provided, multiple submitters, no conflicts (2 of 4 stars). 2 submissions from 2 submitters: Likely benign (2). Last evaluated 2018-06-19.

Allele frequency attached by ClinVar (database versions not stated): gnomAD 0.03482 and 0.03720; TOPMed 0.04130; 1000 Genomes Project 30x 0.05996; 1000 Genomes Project 0.06370.

Submissions (2):

GeneDx
Classification: Likely benign. Last evaluated: 2018-06-19. Review status: criteria provided, single submitter. Criteria: GeneDx Variant Classification (06012015). Collection method: clinical testing. Allele origin: germline. Affected: yes.
Comment: This variant is considered likely benign or benign based on one or more of the following criteria: it is a conservative change, it occurs at a poorly conserved position in the protein, it is predicted to be benign by multiple in silico algorithms, and/or has population frequency not consistent with disease.

Breakthrough Genomics
Classification: Likely benign. Review status: criteria provided, single submitter. Criteria: ACMG Guidelines, 2015. Collection method: not provided. Allele origin: germline. Inheritance: Autosomal recessive inheritance. Affected: yes.

NM_006493.4(CLN5):c.565+90T>A

Gene: CLN5 (CLN5 intracellular trafficking protein; plus strand). Cytogenetic location: 13q22.3.
Variant type: single nucleotide variant.
Coding change: c.565+90T>A on transcript NM_006493.4 (MANE Select); 90 bases into the intron after coding-DNA position 565, T replaced by A.
Molecular consequence: intron variant.
Genome position (GRCh38, 1-based): chr13:76,996,217, T>A. VCF-style: chr13-76996217-T-A. GRCh37 (hg19) VCF-style: chr13-77570352-T-A.
Other names: c.565+90T>A (NM_001366624.2).
Identifiers: ClinVar variation 670631 (VCV000670631.2), dbSNP rs7328841, ClinGen allele CA252176619.
Genomic context (GRCh38, chr13:76,996,217, plus strand): 5'-TCATTGCATCAAAAACCAAATGAAAGAAATTGTTATACTTCCATTGAAACATTTCAGTAA[T>A]GTTTTACTTAGAGGTCATTTGTAAAATGTACTTTTGGAACCATTAAACTTTGGGAATTTT-3'